The following is an entry in ClinVar:

NM_007294.4(BRCA1):c.1106A>T (p.Asp369Val)

Gene: BRCA1 (BRCA1 DNA repair associated; minus strand). Cytogenetic location: 17q21.31.
Variant type: single nucleotide variant.
Coding change: c.1106A>T on transcript NM_007294.4 (MANE Select); coding-DNA position 1106, A replaced by T.
Protein change: p.Asp369Val; replaces aspartic acid 369 with valine.
Molecular consequence: missense variant. On other transcripts: intron variant (137).
Genome position (GRCh38, 1-based): chr17:43,094,425, T>A on the plus strand (A>T on the coding strand, the complement: BRCA1 is on the minus strand). VCF-style: chr17-43094425-T-A. GRCh37 (hg19) VCF-style: chr17-41246442-T-A.
Other names: c.842A>T, p.Asp281Val (NM_001407926.1, NM_001407927.1, NM_001407928.1 and 9 more transcripts); c.839A>T, p.Asp280Val (NM_001407930.1, NM_001407931.1, NM_001407932.1 and 2 more transcripts); c.983A>T, p.Asp328Val (NM_001407937.1, NM_001407938.1, NM_001407939.1 and 19 more transcripts); c.980A>T, p.Asp327Val (NM_001407940.1, NM_001407941.1, NM_001407649.1 and 11 more transcripts); c.965A>T, p.Asp322Val (NM_001407942.1, NM_001407944.1, NM_001407945.1 and 29 more transcripts); c.962A>T, p.Asp321Val (NM_001407943.1, NM_001407964.1, NM_001407740.1 and 20 more transcripts); c.773A>T, p.Asp258Val (NM_001407946.1, NM_001407947.1, NM_001407948.1 and 6 more transcripts); c.770A>T, p.Asp257Val (NM_001407954.1, NM_001407955.1, NM_001407956.1 and 1 more transcripts); and 40 more; short protein forms D369V, D322V, D241V, D242V, D257V, D281V, D299V, D342V.
Identifiers: ClinVar variation 629064 (VCV000629064.6), dbSNP rs80357416, ClinGen allele CA10599845.

ClinVar aggregate classification (germline): Conflicting classifications of pathogenicity. Review status: criteria provided, conflicting classifications (1 of 4 stars). 2 submissions from 2 submitters: Uncertain significance (1); Likely benign (1). Last evaluated 2023-03-23.

Conditions:
Hereditary cancer-predisposing syndrome. Also called: Neoplastic Syndromes, Hereditary; Tumor predisposition; Hereditary neoplastic syndrome; Hereditary Cancer Syndrome. Identifiers: Orphanet 140162, MedGen C0027672, MeSH D009386, MONDO:0015356.

Submissions (2):

University of Washington Department of Laboratory Medicine, University of Washington
Classification: Likely benign for Hereditary cancer-predisposing syndrome. Last evaluated: 2023-03-23. Review status: criteria provided, single submitter. Criteria: Dines et al. (Genet Med. 2020). Collection method: curation. Allele origin: germline.
Comment: Missense variant in a coldspot region where missense variants are very unlikely to be pathogenic (PMID:31911673).

BRCA1 coldspot (exon 11 using historical exon numbering). Reclassification based on statistical prior probability

Color Diagnostics, LLC DBA Color Health
Classification: Uncertain significance for Hereditary cancer-predisposing syndrome. Last evaluated: 2019-04-07. Review status: criteria provided, single submitter. Criteria: ACMG Guidelines, 2015. Collection method: clinical testing. Allele origin: germline.